The following is an entry in ClinVar:

ClinVar aggregate classification (germline): Uncertain significance (1 of 4 stars; one submission).

Conditions:
DOCK2 deficiency. Also called: Immunodeficiency 40. Identifiers: Orphanet 447737, MedGen C4225328, MONDO:0014637, OMIM 616433.

Allele frequency attached by ClinVar (database versions not stated): gnomAD exomes below 0.00001; TOPMed below 0.00001; gnomAD 0.00001.

Submission:

Labcorp Genetics (formerly Invitae), Labcorp
Classification: Uncertain significance for DOCK2 deficiency. Last evaluated: 2022-06-20. Review status: criteria provided, single submitter. Criteria: Invitae Variant Classification Sherloc (09022015). Collection method: clinical testing. Allele origin: germline.
Comment: This sequence change replaces proline, which is neutral and non-polar, with serine, which is neutral and polar, at codon 498 of the DOCK2 protein (p.Pro498Ser). This variant is present in population databases (no rsID available, gnomAD 0.0009%). This variant has not been reported in the literature in individuals affected with DOCK2-related conditions. Algorithms developed to predict the effect of missense changes on protein structure and function are either unavailable or do not agree on the potential impact of this missense change (SIFT: "Tolerated"; PolyPhen-2: "Probably Damaging"; Align-GVGD: "Class C0"). In summary, the available evidence is currently insufficient to determine the role of this variant in disease. Therefore, it has been classified as a Variant of Uncertain Significance.

NM_004946.3(DOCK2):c.1492C>T (p.Pro498Ser)

Gene: DOCK2 (dedicator of cytokinesis 2; plus strand). Cytogenetic location: 5q35.1.
Variant type: single nucleotide variant.
Coding change: c.1492C>T on transcript NM_004946.3 (MANE Select); coding-DNA position 1492, C replaced by T.
Protein change: p.Pro498Ser; replaces proline 498 with serine.
Molecular consequence: missense variant. On other transcripts: non-coding transcript variant (1).
Genome position (GRCh38, 1-based): chr5:169,711,944, C>T. VCF-style: chr5-169711944-C-T. GRCh37 (hg19) VCF-style: chr5-169138948-C-T.
Other names: short protein forms P498S.
Identifiers: ClinVar variation 1450070 (VCV001450070.7), dbSNP rs1229551703, ClinGen allele CA362106733.
Genomic context (GRCh38, chr5:169,711,944, plus strand): 5'-GGGAGGGCCCTTTAACTCATTGTGTTCTGAGCTCTGTTTCTGTCTGCTGAGGTGGCTGTC[C>T]CTATTGAAGACATGCAGAGGATCCATCTGCGATTCATGTTTCGACATCGGTCATCTCTGG-3'
Protein context (NP_004937.1, residues 488-508): RWMETVKVAV[Pro498Ser]IEDMQRIHLR